The following is an entry in ClinVar:

ClinVar aggregate classification (germline): Likely pathogenic (1 of 4 stars; one submission).

Conditions:
Hereditary cancer-predisposing syndrome. Also called: Neoplastic Syndromes, Hereditary; Tumor predisposition; Hereditary Cancer Syndrome; Hereditary neoplastic syndrome. Identifiers: Orphanet 140162, MedGen C0027672, MeSH D009386, MONDO:0015356.

Submission:

Ambry Genetics
Classification: Likely pathogenic for Hereditary cancer-predisposing syndrome. Last evaluated: 2025-09-15. Review status: criteria provided, single submitter. Criteria: Ambry Variant Classification Scheme 2023. Collection method: clinical testing. Allele origin: germline.
Comment: The c.3204_3205delCGinsTC variant (also known as p.G1069R), located in coding exon 19 of the PTCH1 gene, results from an in-frame deletion of CG and insertion of TC at nucleotide positions 3204 to 3205. This results in the substitution of the glycine residue for an arginine residue at codon 1069, an amino acid with dissimilar properties. This variant was reported in individual(s) with features consistent with PTCH1-related nevoid basal cell carcinoma syndrome (Ambry internal data). This amino acid position is highly conserved in available vertebrate species. In addition, this alteration is predicted to be deleterious by in silico analysis. Based on the majority of available evidence to date, this variant is likely to be pathogenic.

NM_000264.5(PTCH1):c.3204_3205delinsTC (p.Gly1069Arg)

Gene: PTCH1 (patched 1; minus strand). Cytogenetic location: 9q22.32.
Variant type: Indel.
Coding change: c.3204_3205delinsTC on transcript NM_000264.5 (MANE Select); coding-DNA positions 3204 to 3205, CG replaced by TC.
Protein change: p.Gly1069Arg; replaces glycine 1069 with arginine.
Molecular consequence: missense variant. On other transcripts: non-coding transcript variant (1).
Genome position (GRCh38, 1-based): chr9:95,456,377-95,456,378, CG replaced by GA on the plus strand (CG replaced by TC on the coding strand, the reverse complement: PTCH1 is on the minus strand). VCF-style: chr9-95456377-CG-GA. GRCh37 (hg19) VCF-style: chr9-98218659-CG-GA.
Other names: c.3006_3007delinsTC, p.Gly1003Arg (NM_001083602.3); c.3201_3202delinsTC, p.Gly1068Arg (NM_001083603.3); c.2751_2752delinsTC, p.Gly918Arg (NM_001083604.3, NM_001083605.3, NM_001083606.3 and 1 more transcripts); c.3048_3049delinsTC, p.Gly1017Arg (NM_001354918.2); short protein forms G1069R, G918R, G1003R, G1017R, G1068R.
Identifiers: ClinVar variation 4675329 (VCV004675329.1).